The following is an entry in ClinVar:

NM_000489.6(ATRX):c.4250G>A (p.Arg1417Gln)

Gene: ATRX (ATRX chromatin remodeler; minus strand). Cytogenetic location: Xq21.1.
Variant type: single nucleotide variant.
Coding change: c.4250G>A on transcript NM_000489.6 (MANE Select); coding-DNA position 4250, G replaced by A.
Protein change: p.Arg1417Gln; replaces arginine 1417 with glutamine.
Molecular consequence: missense variant.
Genome position (GRCh38, 1-based): chrX:77,654,165, C>T on the plus strand (G>A on the coding strand, the complement: ATRX is on the minus strand). VCF-style: chrX-77654165-C-T. GRCh37 (hg19) VCF-style: chrX-76909655-C-T.
Other names: c.4136G>A, p.Arg1379Gln (NM_138270.5); short protein forms R1379Q, R1417Q.
Identifiers: ClinVar variation 1207132 (VCV001207132.8), dbSNP rs1557118749, ClinGen allele CA413709525.

ClinVar aggregate classification (germline): Likely benign. Review status: criteria provided, multiple submitters, no conflicts (2 of 4 stars). 2 submissions from 2 submitters: Likely benign (2). Last evaluated 2025-08-11.

Conditions:
Alpha thalassemia-X-linked intellectual disability syndrome (ATRX). Also called: X-linked alpha-thalassemia-mental retardation syndrome; ALPHA-THALASSEMIA/IMPAIRED INTELLECTUAL DEVELOPMENT SYNDROME, X-LINKED; ALPHA-THALASSEMIA/MENTAL RETARDATION SYNDROME, X-LINKED; ATR, NONDELETION TYPE; ATR-X syndrome; Alpha thalassemia mental retardation syndrome, nondeletion type, X-linked. Identifiers: Orphanet 847, MedGen C1845055, MONDO:0010519, OMIM 301040.

Allele frequency attached by ClinVar (database versions not stated): gnomAD exomes below 0.00001 and 0.00001; gnomAD 0.00001; TOPMed 0.00002.
gnomAD v4.1: 3 of 1,208,425 alleles (0.00025%); highest among the groups gnomAD compares: Admixed American, 0.0022%; no homozygotes.

Submissions (2):

Labcorp Genetics (formerly Invitae), Labcorp
Classification: Likely benign for Alpha thalassemia-X-linked intellectual disability syndrome. Last evaluated: 2025-08-11. Review status: criteria provided, single submitter. Criteria: Invitae Variant Classification Sherloc (09022015). Collection method: clinical testing. Allele origin: germline.

GeneDx
Classification: Likely benign. Last evaluated: 2020-01-16. Review status: criteria provided, single submitter. Criteria: GeneDx Variant Classification Process June 2021. Collection method: clinical testing. Allele origin: germline. Affected: yes.
Comment: Not observed at a significant frequency in large population cohorts (Lek et al., 2016); In silico analysis, which includes protein predictors and evolutionary conservation, supports that this variant does not alter protein structure/function; Has not been previously published as pathogenic or benign to our knowledge